The following is an entry in ClinVar:

NM_001378609.3(OTOGL):c.3804A>G (p.Ser1268=)

Gene: OTOGL (otogelin like; plus strand). Cytogenetic location: 12q21.31.
Variant type: single nucleotide variant.
Coding change: c.3804A>G on transcript NM_001378609.3 (MANE Select); coding-DNA position 3804, A replaced by G.
Protein change: p.Ser1268=; no amino-acid change (serine 1268 retained).
Molecular consequence: synonymous variant.
Genome position (GRCh38, 1-based): chr12:80,320,423, A>G. VCF-style: chr12-80320423-A-G. GRCh37 (hg19) VCF-style: chr12-80714203-A-G.
Other names: c.3669A>G, p.Ser1223= (NM_001368062.3); c.3804A>G, p.Ser1268= (NM_001378610.3, NM_173591.7).
Identifiers: ClinVar variation 504794 (VCV000504794.11), dbSNP rs183046919, ClinGen allele CA6701185.

ClinVar aggregate classification (germline): Likely benign. Review status: criteria provided, multiple submitters, no conflicts (2 of 4 stars). 3 submissions from 3 submitters: Likely benign (3). Last evaluated 2025-09-26.

Conditions:
OTOGL-related disorder. Also called: OTOGL-related condition.

Allele frequency attached by ClinVar (database versions not stated): gnomAD 0.00001 and 0.00005; gnomAD exomes 0.00002 and 0.00008; TOPMed 0.00003; ExAC 0.00010; 1000 Genomes Project 0.00060; 1000 Genomes Project 30x 0.00062.
gnomAD v4.1: 47 of 1,610,984 alleles (0.0029%); highest among the groups gnomAD compares: East Asian, 0.058%; no homozygotes.

Submissions (3):

PreventionGenetics, part of Exact Sciences
Classification: Likely benign for OTOGL-related condition. Last evaluated: 2025-09-26. Review status: criteria provided, single submitter. Criteria: ACMG Guidelines, 2015. Collection method: clinical testing. Allele origin: germline.
Comment: This variant is classified as likely benign based on ACMG/AMP sequence variant interpretation guidelines (Richards et al. 2015 PMID: 25741868, with internal and published modifications).

Labcorp Genetics (formerly Invitae), Labcorp
Classification: Likely benign. Last evaluated: 2023-06-26. Review status: criteria provided, single submitter. Criteria: Invitae Variant Classification Sherloc (09022015). Collection method: clinical testing. Allele origin: germline.

Laboratory for Molecular Medicine, Mass General Brigham Personalized Medicine
Classification: Likely benign. Last evaluated: 2016-09-01. Review status: criteria provided, single submitter. Criteria: LMM Criteria. Collection method: clinical testing. Allele origin: germline. Observed: 1 variant allele.
Comment: p.Ser1259Ser in exon 33 of OTOGL: This variant is not expected to have clinical significance because it does not alter an amino acid residue and is not located within the splice consensus sequence. It has been identified in 0.1% (10/8612) o f East Asian chromosomes by the Exome Aggregation Consortium (ExAC.; dbSNP rs183046919).